The following is an entry in ClinVar:

NM_033453.4(ITPA):c.316G>C (p.Gly106Arg)

Gene: ITPA (inosine triphosphatase; plus strand). Cytogenetic location: 20p13.
Variant type: single nucleotide variant.
Coding change: c.316G>C on transcript NM_033453.4 (MANE Select); coding-DNA position 316, G replaced by C.
Protein change: p.Gly106Arg; replaces glycine 106 with arginine.
Molecular consequence: missense variant. On other transcripts: 5 prime UTR variant (4), non-coding transcript variant (2).
Genome position (GRCh38, 1-based): chr20:3,218,537, G>C. VCF-style: chr20-3218537-G-C. GRCh37 (hg19) VCF-style: chr20-3199183-G-C.
Other names: c.193G>C, p.Gly65Arg (NM_001267623.2); c.-22G>C (NM_001324236.2, NM_001324237.2, NM_001324238.2 and 1 more transcripts); c.316G>C, p.Gly106Arg (NM_001324240.2); c.265G>C, p.Gly89Arg (NM_181493.4); short protein forms G106R, G65R, G89R.
Identifiers: ClinVar variation 464833 (VCV000464833.8), dbSNP rs202194282, ClinGen allele CA9741270.

ClinVar aggregate classification (germline): Uncertain significance. Review status: criteria provided, multiple submitters, no conflicts (2 of 4 stars). 2 submissions from 2 submitters: Uncertain significance (2). Last evaluated 2024-10-17.

Conditions:
Inosine triphosphatase deficiency. Also called: INOSINE TRIPHOSPHATE PYROPHOSPHOHYDROLASE DEFICIENCY. Identifiers: MedGen C0342800, MONDO:0013461, OMIM 613850.
Developmental and epileptic encephalopathy, 35 (DEE35). Also called: Epileptic encephalopathy, early infantile, 35. Identifiers: Orphanet 457375, MedGen C4225256, MONDO:0014719, OMIM 616647.

Allele frequency attached by ClinVar (database versions not stated): gnomAD 0.00001; TOPMed 0.00004; ExAC 0.00008; 1000 Genomes Project 30x 0.00016; 1000 Genomes Project 0.00020.
gnomAD v4.1: 21 of 1,613,858 alleles (0.0013%); highest among the groups gnomAD compares: Admixed American, 0.033%; no homozygotes.

Submissions (2):

Labcorp Genetics (formerly Invitae), Labcorp
Classification: Uncertain significance for Inosine triphosphatase deficiency. Last evaluated: 2024-10-17. Review status: criteria provided, single submitter. Criteria: Invitae Variant Classification Sherloc (09022015). Collection method: clinical testing. Allele origin: germline.
Comment: This sequence change replaces glycine, which is neutral and non-polar, with arginine, which is basic and polar, at codon 106 of the ITPA protein (p.Gly106Arg). This variant is present in population databases (rs202194282, gnomAD 0.04%). This variant has not been reported in the literature in individuals affected with ITPA-related conditions. ClinVar contains an entry for this variant (Variation ID: 464833). An algorithm developed to predict the effect of missense changes on protein structure and function (PolyPhen-2) suggests that this variant is likely to be disruptive. In summary, the available evidence is currently insufficient to determine the role of this variant in disease. Therefore, it has been classified as a Variant of Uncertain Significance.

Baylor Genetics
Classification: Uncertain significance for Developmental and epileptic encephalopathy, 35. Last evaluated: 2018-12-24. Review status: criteria provided, single submitter. Criteria: ACMG Guidelines, 2015. Collection method: clinical testing. Allele origin: unknown. Affected: yes.
Comment: This variant was determined to be of uncertain significance according to ACMG Guidelines, 2015 [PMID:25741868].